The following is an entry in ClinVar:

NM_014704.4(CEP104):c.313A>G (p.Lys105Glu)

Gene: CEP104 (centrosomal protein 104; minus strand). Cytogenetic location: 1p36.32.
Variant type: single nucleotide variant.
Coding change: c.313A>G on transcript NM_014704.4 (MANE Select); coding-DNA position 313, A replaced by G.
Protein change: p.Lys105Glu; replaces lysine 105 with glutamic acid.
Molecular consequence: missense variant.
Genome position (GRCh38, 1-based): chr1:3,847,588, T>C on the plus strand (A>G on the coding strand, the complement: CEP104 is on the minus strand). VCF-style: chr1-3847588-T-C. GRCh37 (hg19) VCF-style: chr1-3764152-T-C.
Other names: short protein forms K105E.
Identifiers: ClinVar variation 1430356 (VCV001430356.7), dbSNP rs55720731, ClinGen allele CA551997.

ClinVar aggregate classification (germline): Uncertain significance (1 of 4 stars; one submission).

Conditions:
Joubert syndrome 25 (JBTS25). Identifiers: Orphanet 475, MedGen C4084842, MONDO:0014770, OMIM 616781.

Allele frequency attached by ClinVar (database versions not stated): gnomAD 0.00001; ExAC 0.00002; gnomAD exomes 0.00003 and 0.00006; TOPMed 0.00003.
gnomAD v4.1: 90 of 1,614,042 alleles (0.0056%); highest among the groups gnomAD compares: Non-Finnish European, 0.0072%; no homozygotes.

Submission:

Labcorp Genetics (formerly Invitae), Labcorp
Classification: Uncertain significance for Joubert syndrome 25. Last evaluated: 2022-02-02. Review status: criteria provided, single submitter. Criteria: Invitae Variant Classification Sherloc (09022015). Collection method: clinical testing. Allele origin: germline.
Comment: This sequence change replaces lysine, which is basic and polar, with glutamic acid, which is acidic and polar, at codon 105 of the CEP104 protein (p.Lys105Glu). This variant is present in population databases (rs55720731, gnomAD 0.006%). In summary, the available evidence is currently insufficient to determine the role of this variant in disease. Therefore, it has been classified as a Variant of Uncertain Significance. Algorithms developed to predict the effect of sequence changes on RNA splicing suggest that this variant may create or strengthen a splice site. Algorithms developed to predict the effect of missense changes on protein structure and function are either unavailable or do not agree on the potential impact of this missense change (SIFT: "Tolerated"; PolyPhen-2: "Probably Damaging"; Align-GVGD: "Class C0"). This variant has not been reported in the literature in individuals affected with CEP104-related conditions.